The following is an entry in ClinVar:

NM_000136.3(FANCC):c.954del (p.Phe318fs)

Genes: AOPEP (aminopeptidase O (putative); plus strand), FANCC (FA complementation group C; minus strand). Cytogenetic location: 9q22.32.
Variant type: Deletion.
Coding change: c.954del on transcript NM_000136.3 (MANE Select); coding-DNA position 954, one base deleted (T; older notation c.954delT).
Protein change: p.Phe318fs; shifts the reading frame from phenylalanine 318.
Molecular consequence: frameshift variant.
Genome position (GRCh38, 1-based): chr9:95,125,128, A deleted on the plus strand (T on the coding strand, the reverse complement: FANCC is on the minus strand); the first of 3 consecutive A bases (chr9:95,125,128-95,125,130); deleting any one gives the same sequence. VCF-style (leftmost placement, unchanged base first): chr9-95125127-TA-T. GRCh37 (hg19) VCF-style: chr9-97887409-TA-T.
Other names: c.954del, p.Phe318fs (NM_001243743.2, NM_001243744.2); c.954delT (NM_000136.2); short protein forms F318fs.
Identifiers: ClinVar variation 1767341 (VCV001767341.2), dbSNP rs2541137972, ClinGen allele CA2580080749.
Genomic context (GRCh38, chr9:95,125,127, plus strand): 5'-TATATGTGATATAACAAACCTGCTTGCTTGCTTTCTCCAGAGCTTCTACAAAGCACTGCG[TA>T]AACACCTGAATAGTGGCTATGATTTCCAGGGCCCCATCGGTTTCCAGGAGTGCACACCTG-3'

ClinVar aggregate classification (germline): Pathogenic (1 of 4 stars; one submission).

Conditions:
Hereditary cancer-predisposing syndrome. Also called: Hereditary Cancer Syndrome; Hereditary neoplastic syndrome; Neoplastic Syndromes, Hereditary; Tumor predisposition. Identifiers: Orphanet 140162, MedGen C0027672, MeSH D009386, MONDO:0015356.

Submission:

Ambry Genetics
Classification: Pathogenic for Hereditary cancer-predisposing syndrome. Last evaluated: 2022-09-29. Review status: criteria provided, single submitter. Criteria: Ambry Variant Classification Scheme 2023. Collection method: clinical testing. Allele origin: germline.
Comment: The c.954delT pathogenic mutation, located in coding exon 9 of the FANCC gene, results from a deletion of one nucleotide at nucleotide position 954, causing a translational frameshift with a predicted alternate stop codon (p.F318Lfs*6). This variant is considered to be rare based on population cohorts in the Genome Aggregation Database (gnomAD). This alteration is expected to result in loss of function by premature protein truncation or nonsense-mediated mRNA decay. As such, this alteration is interpreted as a disease-causing mutation.